The following is an entry in ClinVar:

ClinVar aggregate classification (germline): Uncertain significance (1 of 4 stars; one submission).

Conditions:
Developmental and epileptic encephalopathy, 24 (DEE24). Also called: Epileptic encephalopathy, early infantile, 24. Identifiers: Orphanet 442835, MedGen C4014531, MONDO:0014377, OMIM 615871.

Submission:

Victorian Clinical Genetics Services, Murdoch Childrens Research Institute
Classification: Uncertain significance for Developmental and epileptic encephalopathy, 24. Last evaluated: 2019-08-28. Review status: criteria provided, single submitter. Criteria: ACMG Guidelines, 2015. Collection method: clinical testing. Allele origin: germline. Inheritance: Autosomal dominant inheritance. Affected: yes.
Comment: A heterozygous missense variant, NM_021072.3(HCN1):c.1139T>A, has been identified in exon 4 of 8 of the HCN1 gene. The variant is predicted to result in a major amino acid change from isoleucine to asparagine at position 380 of the protein (NP_066550.2(HCN1):p.(Ile380Asn)). The isoleucine at this position has very high conservation (100 vertebrates, UCSC), and is located within the ion transport protein functional domain. In silico predictions for this variant are consistently pathogenic (Polyphen, SIFT, CADD, Mutation Taster). The variant is absent in population databases (gnomAD, dbSNP, 1000G). This variant has not been previously reported in clinical cases. Different variants in the same residue have been reported VUS previously (ClinVar, Decipher). However, a de novo variant in the same codon resulting in a change to phenylalanine has been reported pathogenic in a patient with unexplained epilepsy similar to Dravet syndrome (Wang, J. et al., 2019). . Based on the information available at the time of curation, this variant has been classified as VARIANT of UNCERTAIN SIGNIFICANCE (VUS) with POTENTIAL CLINICAL RELEVANCE.

NM_021072.4(HCN1):c.1139T>A (p.Ile380Asn)

Gene: HCN1 (hyperpolarization activated cyclic nucleotide gated potassium channel 1; minus strand). Cytogenetic location: 5p12.
Variant type: single nucleotide variant.
Coding change: c.1139T>A on transcript NM_021072.4 (MANE Select); coding-DNA position 1139, T replaced by A.
Protein change: p.Ile380Asn; replaces isoleucine 380 with asparagine.
Molecular consequence: missense variant.
Genome position (GRCh38, 1-based): chr5:45,396,583, A>T on the plus strand (T>A on the coding strand, the complement: HCN1 is on the minus strand). VCF-style: chr5-45396583-A-T. GRCh37 (hg19) VCF-style: chr5-45396685-A-T.
Other names: short protein forms I380N.
Identifiers: ClinVar variation 1806339 (VCV001806339.1), dbSNP rs1561139596, ClinGen allele CA359705337.